The following is an entry in ClinVar:

ClinVar aggregate classification (germline): Uncertain significance (1 of 4 stars; one submission).

Allele frequency attached by ClinVar (database versions not stated): gnomAD exomes below 0.00001; TOPMed below 0.00001; gnomAD 0.00001.

Submission:

Labcorp Genetics (formerly Invitae), Labcorp
Classification: Uncertain significance. Last evaluated: 2023-11-22. Review status: criteria provided, single submitter. Criteria: Invitae Variant Classification Sherloc (09022015). Collection method: clinical testing. Allele origin: germline.
Comment: This sequence change replaces threonine, which is neutral and polar, with methionine, which is neutral and non-polar, at codon 1794 of the BPTF protein (p.Thr1794Met). This variant is present in population databases (no rsID available, gnomAD 0.007%). This variant has not been reported in the literature in individuals affected with BPTF-related conditions. An algorithm developed to predict the effect of missense changes on protein structure and function (PolyPhen-2) suggests that this variant is likely to be disruptive. In summary, the available evidence is currently insufficient to determine the role of this variant in disease. Therefore, it has been classified as a Variant of Uncertain Significance.

NM_182641.4(BPTF):c.5003C>T (p.Thr1668Met)

Gene: BPTF (bromodomain PHD finger transcription factor; plus strand). Cytogenetic location: 17q24.2.
Variant type: single nucleotide variant.
Coding change: c.5003C>T on transcript NM_182641.4 (MANE Select); coding-DNA position 5003, C replaced by T.
Protein change: p.Thr1668Met; replaces threonine 1668 with methionine.
Molecular consequence: missense variant.
Genome position (GRCh38, 1-based): chr17:67,912,887, C>T. VCF-style: chr17-67912887-C-T. GRCh37 (hg19) VCF-style: chr17-65909003-C-T.
Other names: c.5381C>T, p.Thr1794Met (NM_004459.7); short protein forms T1794M, T1668M.
Identifiers: ClinVar variation 2779768 (VCV002779768.3), dbSNP rs1199725197, ClinGen allele CA400731498.